The following is an entry in ClinVar:

NM_000059.4(BRCA2):c.4740_4741dup (p.Glu1581fs)

Gene: BRCA2 (BRCA2 DNA repair associated; plus strand). Cytogenetic location: 13q13.1.
Variant type: Microsatellite.
Coding change: c.4740_4741dup on transcript NM_000059.4 (MANE Select); coding-DNA positions 4740 to 4741, 2 bases duplicated (TG; older notation c.4740_4741dupTG).
Protein change: p.Glu1581fs; shifts the reading frame from glutamic acid 1581.
Molecular consequence: frameshift variant.
Genome position (GRCh38, 1-based): chr13:32,339,095-32,339,096, TG duplicated; duplicating any 2 consecutive bases within chr13:32,339,093-32,339,096 gives the same sequence; the c. name uses the placement nearest the transcript's 3' end. VCF-style (leftmost placement, unchanged base first): chr13-32339092-A-ATG. GRCh37 (hg19) VCF-style: chr13-32913229-A-ATG.
Other names: c.4740_4741dupTG (NM_000059.3); short protein forms E1581fs.
Identifiers: ClinVar variation 220160 (VCV000220160.22), dbSNP rs864622401, ClinGen allele CA350547.

ClinVar aggregate classification (germline): Pathogenic. Review status: reviewed by expert panel (3 of 4 stars). 14 submissions from 13 submitters: Pathogenic (1). 13 of the submissions do not count toward it. Last evaluated 2016-09-08.

Conditions:
Familial pancreatic carcinoma. Identifiers: Orphanet 1333, MedGen C2931038, MONDO:0015278, OMIM 260350.
Hereditary cancer-predisposing syndrome. Also called: Hereditary Cancer Syndrome; Tumor predisposition; Hereditary neoplastic syndrome; Neoplastic Syndromes, Hereditary. Identifiers: Orphanet 140162, MedGen C0027672, MeSH D009386, MONDO:0015356.
Breast neoplasm. Also called: Breast tumor; Neoplasm of breast; Neoplasm of the breast; Breast Neoplasms. Identifiers: MedGen C1458155, MeSH D001943, MONDO:0021100, HP:0100013. Disease mechanism: gain of function.
Hereditary breast ovarian cancer syndrome. Also called: Hereditary breast and ovarian cancer syndrome (HBOC); Hereditary breast and ovarian cancer; BRCA1- and BRCA2-Associated Hereditary Breast and Ovarian Cancer; Hereditary breast and/or ovarian cancer syndrome; Breast and ovarian cancer; Hereditary breast and ovarian cancer syndrome. Identifiers: Orphanet 145, MedGen C0677776, MeSH D061325, MONDO:0003582. Disease mechanism: loss of function.
Breast-ovarian cancer, familial, susceptibility to, 2 (BROVCA2). Also called: BRCA2 Hereditary Breast and Ovarian Cancer. Identifiers: Orphanet 145, MedGen C2675520, MONDO:0012933, OMIM 612555. Disease mechanism: loss of function.
Familial cancer of breast. Also called: Hereditary breast cancer; BREAST CANCER, FAMILIAL; hereditary breast carcinoma. Identifiers: Orphanet 227535, MedGen C0346153, MONDO:0016419, OMIM 114480. Disease mechanism: loss of function.

Submissions (14):

Evidence-based Network for the Interpretation of Germline Mutant Alleles (ENIGMA)
Classification: Pathogenic for Breast-ovarian cancer, familial, susceptibility to, 2. Last evaluated: 2016-09-08. Review status: reviewed by expert panel. Criteria: ENIGMA BRCA1/2 Classification Criteria (2015). Collection method: curation. Allele origin: germline.
Comment: Variant allele predicted to encode a truncated non-functional protein.

Labcorp Genetics (formerly Invitae), Labcorp
Classification: Pathogenic for Hereditary breast ovarian cancer syndrome. Last evaluated: 2026-01-24. Review status: criteria provided, single submitter. Criteria: Invitae Variant Classification Sherloc (09022015). Collection method: clinical testing. Allele origin: germline. Not counted in ClinVar's aggregate classification.
Comment: This sequence change creates a premature translational stop signal (p.Glu1581Valfs*37) in the BRCA2 gene. It is expected to result in an absent or disrupted protein product. Loss-of-function variants in BRCA2 are known to be pathogenic (PMID: 20104584). This variant is not present in population databases (gnomAD no frequency). This premature translational stop signal has been observed in individual(s) with breast cancer (PMID: 20859677, 23469205). This variant is also known as 4969_4970insTG or 4968insGT. ClinVar contains an entry for this variant (Variation ID: 220160). For these reasons, this variant has been classified as Pathogenic.

Dasa
Classification: Pathogenic for Breast-ovarian cancer, familial, susceptibility to, 2. Last evaluated: 2025-10-28. Review status: criteria provided, single submitter. Criteria: DASA Assertion Criteria. Collection method: clinical testing. Allele origin: germline. Not counted in ClinVar's aggregate classification.
Comment: NM_000059.4(BRCA2):c.4740_4741dup (p.Glu1581Valfs*37) is a frameshift variant in BRCA2 predicted to alter the reading frame and introduce a premature termination codon and is predicted to result in an absent or altered protein product. Loss of function is an established disease mechanism for BRCA2 (PMID: 16199546; PMID: 17063271; PMID: 25632310). The affected residue or protein region has prior evidence supporting clinical relevance. Published studies describe this variant in association with Breast-ovarian cancer, familial, susceptibility to, 2 (PMID: 29088781; PMID: 31125277). Also, this variant is absent from population databases. Based on the currently available evidence, this variant is classified as pathogenic.

Variantyx, Inc.
Classification: Pathogenic for Breast-ovarian cancer, familial, susceptibility to, 2. Last evaluated: 2025-06-12. Review status: criteria provided, single submitter. Criteria: Variantyx Assertion Criteria 2022. Collection method: clinical testing. Allele origin: germline. Inheritance: Autosomal dominant inheritance. Affected: yes. Not counted in ClinVar's aggregate classification.
Comment: This is a frameshift variant in the BRCA2 gene (OMIM: 600185). Pathogenic variants in this gene have been associated with autosomal dominant susceptibility to familial breast-ovarian cancer 2. This variant introduces a premature termination codon in exon 11 out of 27 and is expected to result in loss of function, which is a known disease mechanism for BRCA2 in this disorder (PMID: 20301425) (PVS1). This variant is absent from control populations (PM2). Other reputable laboratories have reported this variant as pathogenic or likely pathogenic, and this classification has been validated by an expert panel in ClinVar (PP5). Based on the current evidence, this variant is classified as pathogenic for autosomal dominant susceptibility to familial breast-ovarian cancer 2.

Ambry Genetics
Classification: Pathogenic for Hereditary cancer-predisposing syndrome. Last evaluated: 2025-01-13. Review status: criteria provided, single submitter. Criteria: Ambry Variant Classification Scheme 2023. Collection method: clinical testing. Allele origin: germline. Not counted in ClinVar's aggregate classification.
Comment: The c.4740_4741dupTG pathogenic mutation, located in coding exon 10 of the BRCA2 gene, results from a duplication of TG at nucleotide position 4740, causing a translational frameshift with a predicted alternate stop codon (p.E1581Vfs*37). This variant was reported in individual(s) with features consistent with BRCA2-related cancer predisposition and has been described as a founder mutation in the Chilean population (Gallardo M et al. Breast Cancer Res Treat, 2006 Jan;95:81-7; Gonzalez-Hormazabal P et al. Breast Cancer Res Treat, 2011 Apr;126:705-16; Alvarez C et al. Oncotarget, 2017 Sep;8:74233-74243; Adaniel C et al. J Glob Oncol, 2019 May;5:1-14; Molina-Zayas M et al. Mol Genet Genomics, 2022 May;297:859-871). This variant is considered to be rare based on population cohorts in the Genome Aggregation Database (gnomAD). This alteration is expected to result in loss of function by premature protein truncation or nonsense-mediated mRNA decay. As such, this alteration is interpreted as a disease-causing mutation.

Baylor Genetics
Classification: Pathogenic for Familial cancer of breast. Last evaluated: 2024-01-23. Review status: criteria provided, single submitter. Criteria: ACMG Guidelines, 2015. Collection method: clinical testing. Allele origin: unknown. Not counted in ClinVar's aggregate classification.

Color Diagnostics, LLC DBA Color Health
Classification: Pathogenic for Hereditary cancer-predisposing syndrome. Last evaluated: 2023-09-12. Review status: criteria provided, single submitter. Criteria: ACMG Guidelines, 2015. Collection method: clinical testing. Allele origin: germline. Not counted in ClinVar's aggregate classification.
Comment: This variant inserts 2 nucleotides in exon 11 of the BRCA2 gene, creating a frameshift and premature translation stop signal. This variant is also known as 4968insGT and 4970insTG in the literature. This variant is expected to result in an absent or non-functional protein product. This variant has been detected in at least six individuals and families affected with breast and/or ovarian cancer (PMID: 16261400, 20859677, 23469205, 28947987, 31125277). This variant has not been identified in the general population by the Genome Aggregation Database (gnomAD). Loss of BRCA2 function is a known mechanism of disease. Based on the available evidence, this variant is classified as Pathogenic.

Clinical Genetics Laboratory, Skane University Hospital Lund
Classification: Pathogenic. Last evaluated: 2022-05-27. Review status: criteria provided, single submitter. Criteria: ACMG Guidelines, 2015. Collection method: clinical testing. Allele origin: germline. Affected: yes. Not counted in ClinVar's aggregate classification.

GeneDx
Classification: Pathogenic. Last evaluated: 2017-09-28. Review status: criteria provided, single submitter. Criteria: GeneDx Variant Classification (06012015). Collection method: clinical testing. Allele origin: germline. Affected: yes. Not counted in ClinVar's aggregate classification.
Comment: This duplication of 2 nucleotides in BRCA2 is denoted c.4740_4741dupTG at the cDNA level and p.Glu1581ValfsX37 (E1581VfsX37) at the protein level. The normal sequence, with the bases that are duplicated in braces, is CATG[TG]AGAC. The duplication causes a frameshift which changes a Glutamic Acid to a Valine at codon 1581, and creates a premature stop codon at position 37 of the new reading frame. This variant is predicted to cause loss of normal protein function through either protein truncation or nonsense-mediated mRNA decay. BRCA2 c.4740_4741dupTG, also known as 4970insTG, 4968insGT and 4970_4971insTG using alternate nomenclature, has been reported in association with breast cancer (Gallardo 2006, Carraro 2013). We consider this variant to be pathogenic.

Quest Diagnostics Nichols Institute San Juan Capistrano
Classification: Pathogenic. Last evaluated: 2017-07-18. Review status: criteria provided, single submitter. Criteria: Quest Diagnostics criteria. Collection method: clinical testing. Allele origin: germline. Not counted in ClinVar's aggregate classification.

Consortium of Investigators of Modifiers of BRCA1/2 (CIMBA), c/o University of Cambridge
Classification: Pathogenic for Breast-ovarian cancer, familial, susceptibility to, 2. Last evaluated: 2015-10-02. Review status: criteria provided, single submitter. Criteria: CIMBA Mutation Classification guidelines May 2016. Collection method: clinical testing. Allele origin: germline. Not counted in ClinVar's aggregate classification.

Department of Pathology and Laboratory Medicine, Sinai Health System
Classification: Pathogenic for Familial pancreatic carcinoma. Last evaluated: 2014-04-30. Review status: criteria provided, single submitter. Criteria: ACMG Guidelines, 2015. Collection method: clinical testing. Allele origin: germline. Affected: yes. Not counted in ClinVar's aggregate classification.

Clinical and Functional Genomics Group, A.C.Camargo Cancer Center
Classification: Pathogenic for Breast Cancer. Review status: criteria provided, single submitter. Criteria: Carraro et al. (PLoS One. 2013). Collection method: research. Allele origin: germline. Affected: yes. Not counted in ClinVar's aggregate classification.

Department of Pathology and Laboratory Medicine, Sinai Health System
Classification: Pathogenic for Breast-ovarian cancer, familial, susceptibility to, 2. Review status: no assertion criteria provided. Collection method: clinical testing. Allele origin: unknown. Affected: yes. Study: The Canadian Open Genetics Repository (COGR). Not counted in ClinVar's aggregate classification.
Comment: The p.Glu1581ValfsX37 duplication variant was identified in 3 of 760 proband chromosomes (frequency: 0.004) from individuals or families with breast or ovarian cancer (Carraro 2013, Gonzalez-Hormazabal 2011). The variant was also identified in the HGMD. The p.Glu1581ValfsX37 duplication variant is predicted to cause a frameshift, which alters the protein's amino acid sequence beginning at codon 1581 and leads to a premature stop codon 37 codons downstream. This alteration is then predicted to result in a truncated or absent protein and loss of function. Loss of function variants of the BRCA2 gene are an established mechanism of disease in hereditary breast and ovarian cancer and is the type of variant expected to cause the disorder. In summary, based on the above information, this variant is classified as pathogenic.

Literature cited by the submitters: PubMed 20104584 (cited by Labcorp Genetics (formerly Invitae), Labcorp); PubMed 20859677 (cited by 5 submitters); PubMed 23469205 (cited by 3 submitters); PubMed 29088781 (cited by Dasa and Ambry Genetics); PubMed 31125277 (cited by 3 submitters); PubMed 16199546 (cited by Dasa); PubMed 17063271 (cited by Dasa); PubMed 25632310 (cited by Dasa); PubMed 20301425 (cited by Variantyx, Inc.); PubMed 16261400 (cited by Ambry Genetics and Color Diagnostics, LLC DBA Color Health); PubMed 35451682 (cited by Ambry Genetics); PubMed 28947987 (cited by Color Diagnostics, LLC DBA Color Health); PubMed 27463008 (cited by Quest Diagnostics Nichols Institute San Juan Capistrano); PubMed 24884479 (cited by Clinical and Functional Genomics Group, A.C.Camargo Cancer Center).